The following is an entry in ClinVar:

ClinVar aggregate classification (germline): Likely benign. Review status: criteria provided, single submitter (1 of 4 stars). 3 submissions from 1 submitter: Likely benign (3). Last evaluated 2018-01-13.

Conditions:
Arrhythmogenic right ventricular dysplasia 8 (ARVD8). Also called: ARRHYTHMOGENIC RIGHT VENTRICULAR DYSPLASIA, FAMILIAL, 8; ARRHYTHMOGENIC RIGHT VENTRICULAR CARDIOMYOPATHY 8; Arrhythmogenic Right Ventricular Dysplasia/Cardiomyopathy 8. Identifiers: MedGen C1843896, MONDO:0011831, OMIM 607450.
Lethal acantholytic epidermolysis bullosa (EBLA). Identifiers: Orphanet 158687, MedGen C1864826, MONDO:0012323, OMIM 609638.
Woolly hair-skin fragility syndrome (WHSF). Identifiers: Orphanet 293165, MedGen C1843292, MONDO:0957307, OMIM 620415.

Allele frequency attached by ClinVar (database versions not stated): ESP Exome Variant Server 0.00008; gnomAD 0.00020 and 0.00026; TOPMed 0.00032; gnomAD exomes 0.00035 and 0.00065; ExAC 0.00075; 1000 Genomes Project 30x 0.00125; 1000 Genomes Project 0.00140.
gnomAD v4.1: 566 of 1,566,876 alleles (0.036%); highest among the groups gnomAD compares: South Asian, 0.43%; 4 homozygotes.

Submissions (3):

Illumina Laboratory Services, Illumina
Classification: Likely benign for Lethal acantholytic epidermolysis bullosa. Last evaluated: 2018-01-13. Review status: criteria provided, single submitter. Criteria: ICSL Variant Classification Criteria 13 December 2019. Collection method: clinical testing. Allele origin: germline.
Comment: This variant was observed in the ICSL laboratory as part of a predisposition screen in an ostensibly healthy population. It had not been previously curated by ICSL or reported in the Human Gene Mutation Database (HGMD: prior to June 1st, 2018), and was therefore a candidate for classification through an automated scoring system. Utilizing variant allele frequency, disease prevalence and penetrance estimates, and inheritance mode, an automated score was calculated to assess if this variant is too frequent to cause the disease. Based on the score and internal cut-off values, a variant classified as likely benign is not then subjected to further curation. The score for this variant resulted in a classification of likely benign for this disease.

Illumina Laboratory Services, Illumina
Classification: Likely benign for Arrhythmogenic right ventricular dysplasia 8. Last evaluated: 2018-01-13. Review status: criteria provided, single submitter. Criteria: ICSL Variant Classification Criteria 13 December 2019. Collection method: clinical testing. Allele origin: germline.
Comment: the same text as in the submission from Illumina Laboratory Services, Illumina above.

Illumina Laboratory Services, Illumina
Classification: Likely benign for Arrhythmogenic cardiomyopathy with wooly hair and keratoderma. Last evaluated: 2018-01-13. Review status: criteria provided, single submitter. Criteria: ICSL Variant Classification Criteria 13 December 2019. Collection method: clinical testing. Allele origin: germline.
Comment: the same text as in the submission from Illumina Laboratory Services, Illumina above.

NM_004415.4(DSP):c.*47T>C

Gene: DSP (desmoplakin; plus strand). Cytogenetic location: 6p24.3.
Variant type: single nucleotide variant.
Coding change: c.*47T>C on transcript NM_004415.4 (MANE Select); 47 bases downstream of the stop codon, T replaced by C.
Molecular consequence: 3 prime UTR variant.
Genome position (GRCh38, 1-based): chr6:7,585,925, T>C. VCF-style: chr6-7585925-T-C. GRCh37 (hg19) VCF-style: chr6-7586158-T-C.
Other names: c.*47T>C (LRG_423t1, NM_001008844.3, NM_001319034.2).
Identifiers: ClinVar variation 357969 (VCV000357969.5), dbSNP rs376397291, ClinGen allele CA042948.
Genomic context (GRCh38, chr6:7,585,925, plus strand): 5'-CTATTGGGCACTAGTAGTCAGTTGGGAGTGGTTGCTATACCTTGACTTCATTTATATGAA[T>C]TTCCACTTTATTAAATAATAGAAAAGAAAATCCCGGTGCTTGCAGTAGAGTGATAGGACA-3'